The following is an entry in ClinVar:

ClinVar aggregate classification (germline): Pathogenic (1 of 4 stars; one submission).

Conditions:
Werner syndrome (WRN). Identifiers: Orphanet 902, MedGen C0043119, MONDO:0010196, OMIM 277700.

Submission:

Labcorp Genetics (formerly Invitae), Labcorp
Classification: Pathogenic for Werner syndrome. Last evaluated: 2017-06-15. Review status: criteria provided, single submitter. Criteria: Invitae Variant Classification Sherloc (09022015). Collection method: clinical testing. Allele origin: germline.
Comment: This variant is an out-of-frame deletion of the genomic region encompassing exon 3 of the WRN gene. This creates a premature translational stop signal and is expected to result in an absent or disrupted protein product. This variant has not been reported in the literature in individuals with a WRN-related disease. Loss-of-function variants in WRN are known to be pathogenic (PMID: 16673358). For these reasons, this variant has been classified as Pathogenic.

NC_000008.11:g.(?_31059147)_(31059271_?)del

Gene: WRN (WRN RecQ like helicase; plus strand). Cytogenetic location: 8p12.
Variant type: Deletion.
Identifiers: ClinVar variation 458372 (VCV000458372.1).